The following is an entry in ClinVar:

ClinVar aggregate classification (germline): Uncertain significance (1 of 4 stars; one submission).

Submission:

Labcorp Genetics (formerly Invitae), Labcorp
Classification: Uncertain significance. Last evaluated: 2024-11-25. Review status: criteria provided, single submitter. Criteria: Invitae Variant Classification Sherloc (09022015). Collection method: clinical testing. Allele origin: germline.
Comment: This sequence change falls in intron 6 of the MYH9 gene. It does not directly change the encoded amino acid sequence of the MYH9 protein. This variant is present in population databases (rs760029265, gnomAD 0.01%). This variant has not been reported in the literature in individuals affected with MYH9-related conditions. Experimental studies and prediction algorithms are not available or were not evaluated, and the effect of this variant on mRNA splicing is currently unknown. In summary, the available evidence is currently insufficient to determine the role of this variant in disease. Therefore, it has been classified as a Variant of Uncertain Significance.

NM_002473.6(MYH9):c.706-5_706-2del

Gene: MYH9 (myosin heavy chain 9; minus strand). Cytogenetic location: 22q12.3.
Variant type: Microsatellite.
Coding change: c.706-5_706-2del on transcript NM_002473.6 (MANE Select); 5 bases into the intron before coding-DNA position 706 through the canonical splice acceptor site of the intron before coding-DNA position 706, 4 bases deleted (CTTA; older notation c.706-5_706-2delCTTA).
Molecular consequence: splice acceptor variant.
Genome position (GRCh38, 1-based): chr22:36,321,823-36,321,826, TAAG deleted on the plus strand (CTTA on the coding strand, the reverse complement: MYH9 is on the minus strand); deleting any 4 consecutive bases within chr22:36,321,823-36,321,830 gives the same sequence; the c. name uses the placement nearest the transcript's 3' end. VCF-style (leftmost placement, unchanged base first): chr22-36321822-CTAAG-C. GRCh37 (hg19) VCF-style: chr22-36717867-CTAAG-C.
Identifiers: ClinVar variation 3683476 (VCV003683476.2).